The following is an entry in ClinVar:

NM_000478.6(ALPL):c.862+6T>C

Gene: ALPL (alkaline phosphatase, biomineralization associated; plus strand). Cytogenetic location: 1p36.12.
Variant type: single nucleotide variant.
Coding change: c.862+6T>C on transcript NM_000478.6 (MANE Select); 6 bases into the intron after coding-DNA position 862, T replaced by C.
Molecular consequence: intron variant.
Genome position (GRCh38, 1-based): chr1:21,570,380, T>C. VCF-style: chr1-21570380-T-C. GRCh37 (hg19) VCF-style: chr1-21896873-T-C.
Other names: c.862+6T>C (NM_001369805.2, NM_001369804.2, NM_001369803.2 and 1 more transcripts); c.697+6T>C (NM_001127501.4); c.631+6T>C (NM_001177520.3).
Identifiers: ClinVar variation 1513648 (VCV001513648.8), dbSNP rs956701286, ClinGen allele CA19065155.

ClinVar aggregate classification (germline): Uncertain significance. Review status: criteria provided, single submitter (1 of 4 stars). 2 submissions from 2 submitters: Uncertain significance (1). 1 of the submissions does not count toward it. Last evaluated 2025-04-16.

Conditions:
ALPL-related disorder. Also called: ALPL-related condition; ALPL-related disorders.

Allele frequency attached by ClinVar (database versions not stated): gnomAD exomes below 0.00001.
gnomAD v4.1: 5 of 1,613,130 alleles (0.00031%); highest among the groups gnomAD compares: Admixed American, 0.0017%; no homozygotes.

Submissions (2):

Labcorp Genetics (formerly Invitae), Labcorp
Classification: Uncertain significance. Last evaluated: 2025-04-16. Review status: criteria provided, single submitter. Criteria: Invitae Variant Classification Sherloc (09022015). Collection method: clinical testing. Allele origin: germline.
Comment: This sequence change falls in intron 8 of the ALPL gene. It does not directly change the encoded amino acid sequence of the ALPL protein. It affects a nucleotide within the consensus splice site. This variant is present in population databases (no rsID available, gnomAD 0.0009%). This variant has not been reported in the literature in individuals affected with ALPL-related conditions. ClinVar contains an entry for this variant (Variation ID: 1513648). Variants that disrupt the consensus splice site are a relatively common cause of aberrant splicing (PMID: 17576681, 9536098). Algorithms developed to predict the effect of sequence changes on RNA splicing suggest that this variant is not likely to affect RNA splicing. In summary, the available evidence is currently insufficient to determine the role of this variant in disease. Therefore, it has been classified as a Variant of Uncertain Significance.

PreventionGenetics, part of Exact Sciences
Classification: Likely benign for ALPL-related condition. Last evaluated: 2020-02-06. Review status: no assertion criteria provided. Collection method: clinical testing. Allele origin: germline. Not counted in ClinVar's aggregate classification.
Comment: This variant is classified as likely benign based on ACMG/AMP sequence variant interpretation guidelines (Richards et al. 2015 PMID: 25741868, with internal and published modifications).

Literature cited by the submitters: PubMed 17576681 (cited by Labcorp Genetics (formerly Invitae), Labcorp); PubMed 9536098 (cited by Labcorp Genetics (formerly Invitae), Labcorp).